The following is an entry in ClinVar:

ClinVar aggregate classification (germline): conflicting data from submitters (0 of 4 stars; one submission).

Submission:

ISCA Site 6
Classification: conflicting data from submitters. Review status: no assertion criteria provided. Collection method: clinical testing. Allele origin: unknown. Affected: yes. Observed: 4 variant alleles. Clinical features observed: Developmental delay AND/OR other significant developmental or morphological phenotypes.
Comment: Uncertain significance(3), Benign (1)

Copy number variation identified through the course of routine clinical cytogenomic testing in postnatal populations, with clinical assertions as classified by the original submitter. For data from the original published study, Kaminsky, et al. 2011 (PubMed 21844811), please see nstd101.

GRCh37/hg19 19p13.2(chr19:7989408-7990287)x3

Gene: CTXN1 (cortexin 1; minus strand). Cytogenetic location: 19p13.2.
Variant type: copy number gain.
Change: copy number 3 (three copies instead of two) of chr19:7,989,408-7,990,287 (0.9 kb, GRCh37 coordinates, 1-based), cytogenetic band 19p13.2.
Identifiers: ClinVar variation 394421 (VCV000394421.4).